The following is an entry in ClinVar:

NM_001353921.2(ARHGEF9):c.816-12_816-11del

Gene: ARHGEF9 (Cdc42 guanine nucleotide exchange factor 9; minus strand). Cytogenetic location: Xq11.1.
Variant type: Deletion.
Coding change: c.816-12_816-11del on transcript NM_001353921.2 (MANE Select); 12 bases into the intron before coding-DNA position 816 through 11 bases into the intron before coding-DNA position 816, 2 bases deleted (TT; older notation c.816-12_816-11delTT).
Molecular consequence: intron variant.
Genome position (GRCh38, 1-based): chrX:63,674,178-63,674,179, AA deleted on the plus strand (TT on the coding strand, the reverse complement: ARHGEF9 is on the minus strand); deleting any 2 consecutive bases within chrX:63,674,178-63,674,181 gives the same sequence; the c. name uses the placement nearest the transcript's 3' end. VCF-style (leftmost placement, unchanged base first): chrX-63674177-CAA-C. GRCh37 (hg19) VCF-style: chrX-62894057-CAA-C.
Other names: c.636-12_636-11del (NM_001173479.2); c.816-12_816-11del (NM_001353922.2); c.732-12_732-11del (NM_001369043.1, NM_001330495.2, NM_001369038.1 and 8 more transcripts); c.834-12_834-11del (NM_001353923.1); c.615-12_615-11del (NM_001369040.1, NM_001369039.1, NM_001353926.2 and 1 more transcripts); c.795-12_795-11del (NM_001369031.1, NM_001369030.1, NM_001369032.1 and 2 more transcripts); c.381-12_381-11del (NM_001369045.1); c.489-12_489-11del (NM_001173480.2, NM_001369042.1); and 1 more.
Identifiers: ClinVar variation 511731 (VCV000511731.9), dbSNP rs781845457, ClinGen allele CA10431899.

ClinVar aggregate classification (germline): Benign/Likely benign. Review status: criteria provided, multiple submitters, no conflicts (2 of 4 stars). 2 submissions from 2 submitters: Benign (1); Likely benign (1). Last evaluated 2025-01-23.

Conditions:
Developmental and epileptic encephalopathy, 8 (DEE8). Also called: HYPEREKPLEXIA AND EPILEPSY. Identifiers: Orphanet 163985, Orphanet 2076, MedGen C1845102, MONDO:0010375, OMIM 300607.

Submissions (2):

Labcorp Genetics (formerly Invitae), Labcorp
Classification: Benign for Developmental and epileptic encephalopathy, 8. Last evaluated: 2025-01-23. Review status: criteria provided, single submitter. Criteria: Invitae Variant Classification Sherloc (09022015). Collection method: clinical testing. Allele origin: germline.

GeneDx
Classification: Likely benign. Last evaluated: 2017-08-24. Review status: criteria provided, single submitter. Criteria: GeneDx Variant Classification (06012015). Collection method: clinical testing. Allele origin: germline. Affected: yes.
Comment: This variant is considered likely benign or benign based on one or more of the following criteria: it is a conservative change, it occurs at a poorly conserved position in the protein, it is predicted to be benign by multiple in silico algorithms, and/or has population frequency not consistent with disease.